The following is an entry in ClinVar:

ClinVar aggregate classification (germline): Uncertain significance (1 of 4 stars; one submission).

Submission:

Labcorp Genetics (formerly Invitae), Labcorp
Classification: Uncertain significance. Last evaluated: 2022-01-15. Review status: criteria provided, single submitter. Criteria: Invitae Variant Classification Sherloc (09022015). Collection method: clinical testing. Allele origin: germline.
Comment: This sequence change replaces glutamic acid, which is acidic and polar, with glycine, which is neutral and non-polar, at codon 2384 of the PCNT protein (p.Glu2384Gly). This variant is not present in population databases (gnomAD no frequency). In summary, the available evidence is currently insufficient to determine the role of this variant in disease. Therefore, it has been classified as a Variant of Uncertain Significance. Algorithms developed to predict the effect of missense changes on protein structure and function output the following: SIFT: "Deleterious"; PolyPhen-2: "Possibly Damaging"; Align-GVGD: "Class C0". The glycine amino acid residue is found in multiple mammalian species, which suggests that this missense change does not adversely affect protein function. This variant has not been reported in the literature in individuals affected with PCNT-related conditions.

NM_006031.6(PCNT):c.7151A>G (p.Glu2384Gly)

Gene: PCNT (pericentrin; plus strand). Cytogenetic location: 21q22.3.
Variant type: single nucleotide variant.
Coding change: c.7151A>G on transcript NM_006031.6 (MANE Select); coding-DNA position 7151, A replaced by G.
Protein change: p.Glu2384Gly; replaces glutamic acid 2384 with glycine.
Molecular consequence: missense variant.
Genome position (GRCh38, 1-based): chr21:46,422,096, A>G. VCF-style: chr21-46422096-A-G. GRCh37 (hg19) VCF-style: chr21-47842010-A-G.
Other names: c.6797A>G, p.Glu2266Gly (NM_001315529.2); short protein forms E2266G, E2384G.
Identifiers: ClinVar variation 1412064 (VCV001412064.6), dbSNP rs2147851642, ClinGen allele CA410567632.
Genomic context (GRCh38, chr21:46,422,096, plus strand): 5'-GTCCTGTGACCCCTGCTTCCATCTCTGGAAGGTTTCAGCCGCTGCCGGAAGCCATGAAGG[A>G]GAAGGAAGTGCGTCCGAAGCACGTGAAGGTATGGCTGGCAGGGGCGGCCCTCACAGCTTC-3'
Protein context (NP_006022.3, residues 2374-2394): RFQPLPEAMK[Glu2384Gly]KEVRPKHVKA